The following is an entry in ClinVar:

NM_000092.5(COL4A4):c.4442C>T (p.Pro1481Leu)

Gene: COL4A4 (collagen type IV alpha 4 chain; minus strand). Cytogenetic location: 2q36.3.
Variant type: single nucleotide variant.
Coding change: c.4442C>T on transcript NM_000092.5 (MANE Select); coding-DNA position 4442, C replaced by T.
Protein change: p.Pro1481Leu; replaces proline 1481 with leucine.
Molecular consequence: missense variant.
Genome position (GRCh38, 1-based): chr2:227,010,393, G>A on the plus strand (C>T on the coding strand, the complement: COL4A4 is on the minus strand). VCF-style: chr2-227010393-G-A. GRCh37 (hg19) VCF-style: chr2-227875109-G-A.
Other names: short protein forms P1481L.
Identifiers: ClinVar variation 3771981 (VCV003771981.13).

ClinVar aggregate classification (germline): Uncertain significance (1 of 4 stars; one submission).

gnomAD v4.1: 28 of 1,613,998 alleles (0.0017%); highest among the groups gnomAD compares: Non-Finnish European, 0.0022%; no homozygotes.

Submission:

CeGaT Center for Human Genetics Tuebingen
Classification: Uncertain significance. Last evaluated: 2025-01-01. Review status: criteria provided, single submitter. Criteria: CeGaT Center For Human Genetics Tuebingen Variant Classification Criteria Version 2. Collection method: clinical testing. Allele origin: germline. Affected: yes. Observed: 1 variant allele.
Comment: COL4A4: PM2